The following is an entry in ClinVar:

ClinVar aggregate classification (germline): Uncertain significance (1 of 4 stars; one submission).

Conditions:
LMBR1-related disorder. Also called: LMBR1-related condition.

gnomAD v4.1: 5 of 1,609,852 alleles (0.00031%); highest among the groups gnomAD compares: Non-Finnish European, 0.00043%; no homozygotes.

Submission:

PreventionGenetics, part of Exact Sciences
Classification: Uncertain significance for LMBR1-related condition. Last evaluated: 2026-08-06. Review status: criteria provided, single submitter. Criteria: ACMG Guidelines, 2015. Collection method: clinical testing. Allele origin: germline.
Comment: The LMBR1 c.632T>C variant is predicted to result in the amino acid substitution p.Val211Ala. To our knowledge, this variant has not been reported in the literature or in a large population database (gnomAD), indicating this variant is rare. At this time, the clinical significance of this variant is uncertain due to the absence of conclusive functional and genetic evidence.

NM_022458.4(LMBR1):c.632T>C (p.Val211Ala)

Gene: LMBR1 (limb development membrane protein 1; minus strand). Cytogenetic location: 7q36.3.
Variant type: single nucleotide variant.
Coding change: c.632T>C on transcript NM_022458.4 (MANE Select); coding-DNA position 632, T replaced by C.
Protein change: p.Val211Ala; replaces valine 211 with alanine.
Molecular consequence: missense variant. On other transcripts: non-coding transcript variant (2).
Genome position (GRCh38, 1-based): chr7:156,762,186, A>G on the plus strand (T>C on the coding strand, the complement: LMBR1 is on the minus strand). VCF-style: chr7-156762186-A-G. GRCh37 (hg19) VCF-style: chr7-156554880-A-G.
Other names: c.632T>C, p.Val211Ala (NM_001350953.2, NM_001363409.2, NM_001363410.2); c.353T>C, p.Val118Ala (NM_001350954.2); c.176T>C, p.Val59Ala (NM_001350955.2, NM_001350956.2, NM_001350958.2 and 1 more transcripts); c.263T>C, p.Val88Ala (NM_001350957.2, NM_001363411.2); c.569T>C, p.Val190Ala (NM_001363412.2); short protein forms V88A, V118A, V190A, V211A, V59A.
Identifiers: ClinVar variation 4981401 (VCV004981401.1).
Genomic context (GRCh38, chr7:156,762,186, plus strand): 5'-ATACTTACTGTTGGCTTCACTAGCAACTGACCCATCACTGTGAACATACGAGAAAGGCCA[A>G]CTGGTGTACACACTGCAGAAATAAGATCACCAAAAGACAGAAAGCGACATTATAGAGCTT-3'
Protein context (NP_071903.2, residues 201-221): GCLLLLLCTP[Val211Ala]GLSRMFTVMG